The following is an entry in ClinVar:

NM_024496.4(IRF2BPL):c.305_306insA (p.Gln103fs)

Genes: IRF2BPL (interferon regulatory factor 2 binding protein like; minus strand), LOC107984638 (uncharacterized LOC107984638; plus strand). Cytogenetic location: 14q24.3.
Variant type: Insertion.
Coding change: c.305_306insA on transcript NM_024496.4 (MANE Select); coding-DNA positions 305 to 306, A inserted.
Protein change: p.Gln103fs; shifts the reading frame from glutamine 103.
Molecular consequence: frameshift variant.
Genome position: GRCh38 VCF-style: chr14-77027487-C-CT. GRCh37 (hg19) VCF-style: chr14-77493830-C-CT.
Other names: short protein forms Q103fs.
Identifiers: ClinVar variation 2572544 (VCV002572544.1), dbSNP rs1555377528, ClinGen allele CA390500315.
Genomic context (GRCh38, chr14:77,027,487, plus strand): 5'-CTGCTGCTGCTGCTGCTGCTGCTGTTGCTGCTGCTGCTGCTGCTGTTGCTGTTGCTGTTG[C>CT]GCGGCGGCGGCGGCGGCCGCCGCTGCTGCCGCCGCCGCCGCCGCTTCCTTAGCCGACAGG-3'

ClinVar aggregate classification (germline): Likely pathogenic (1 of 4 stars; one submission).

Conditions:
Neurodevelopmental disorder with regression, abnormal movements, loss of speech, and seizures. Identifiers: Orphanet 597623, MedGen C4748127, MONDO:0060759, OMIM 618088.

Allele frequency attached by ClinVar (database versions not stated): ESP Exome Variant Server 0.01349.

Submission:

3billion
Classification: Likely pathogenic for Neurodevelopmental disorder with regression, abnormal movements, loss of speech, and seizures. Review status: criteria provided, single submitter. Criteria: ACMG Guidelines, 2015. Collection method: clinical testing. Allele origin: unknown. Affected: yes. Observed: 1 heterozygote.
Comment: The variant is not observed in the gnomAD v2.1.1 dataset. The variant is predicted to result in a loss or disruption of normal protein function through protein truncation. Multiple pathogenic variants are reported in the predicted truncated region. Therefore, this variant is classified as Likely pathogenic according to the recommendation of ACMG/AMP guideline.